The following is an entry in ClinVar:

ClinVar aggregate classification (germline): Conflicting classifications of pathogenicity. Review status: criteria provided, conflicting classifications (1 of 4 stars). 2 submissions from 2 submitters: Uncertain significance (1); Likely benign (1). Last evaluated 2023-03-23.

Conditions:
Hereditary cancer-predisposing syndrome. Also called: Tumor predisposition; Hereditary Cancer Syndrome; Neoplastic Syndromes, Hereditary; Hereditary neoplastic syndrome. Identifiers: Orphanet 140162, MedGen C0027672, MeSH D009386, MONDO:0015356.

Submissions (2):

University of Washington Department of Laboratory Medicine, University of Washington
Classification: Likely benign for Hereditary cancer-predisposing syndrome. Last evaluated: 2023-03-23. Review status: criteria provided, single submitter. Criteria: Dines et al. (Genet Med. 2020). Collection method: curation. Allele origin: germline.
Comment: Missense variant in a coldspot region where missense variants are very unlikely to be pathogenic (PMID:31911673).

BRCA1 coldspot (exon 11 using historical exon numbering). Reclassification based on statistical prior probability

Ambry Genetics
Classification: Uncertain significance for Hereditary cancer-predisposing syndrome. Last evaluated: 2019-06-14. Review status: criteria provided, single submitter. Criteria: Ambry Variant Classification Scheme 2023. Collection method: clinical testing. Allele origin: germline.
Comment: The p.K995Q variant (also known as c.2983A>C), located in coding exon 9 of the BRCA1 gene, results from an A to C substitution at nucleotide position 2983. The lysine at codon 995 is replaced by glutamine, an amino acid with similar properties. This amino acid position is poorly conserved in available vertebrate species. In addition, this alteration is predicted to be tolerated by BayesDel in silico analysis. Since supporting evidence is limited at this time, the clinical significance of this alteration remains unclear.

NM_007294.4(BRCA1):c.2983A>C (p.Lys995Gln)

Gene: BRCA1 (BRCA1 DNA repair associated; minus strand). Cytogenetic location: 17q21.31.
Variant type: single nucleotide variant.
Coding change: c.2983A>C on transcript NM_007294.4 (MANE Select); coding-DNA position 2983, A replaced by C.
Protein change: p.Lys995Gln; replaces lysine 995 with glutamine.
Molecular consequence: missense variant. On other transcripts: intron variant (137).
Genome position (GRCh38, 1-based): chr17:43,092,548, T>G on the plus strand (A>C on the coding strand, the complement: BRCA1 is on the minus strand). VCF-style: chr17-43092548-T-G. GRCh37 (hg19) VCF-style: chr17-41244565-T-G.
Other names: c.2983A>C, p.Lys995Gln (NM_001407617.1, NM_001407618.1, NM_001407619.1 and 30 more transcripts); c.2770A>C, p.Lys924Gln (NM_001407571.1, NM_001407853.1, NM_001407894.1 and 9 more transcripts); c.2980A>C, p.Lys994Gln (NM_001407587.1, NM_001407590.1, NM_001407591.1 and 22 more transcripts); c.2974A>C, p.Lys992Gln (NM_001407646.1, NM_001407647.1); c.2860A>C, p.Lys954Gln (NM_001407648.1, NM_001407664.1, NM_001407665.1 and 19 more transcripts); c.2857A>C, p.Lys953Gln (NM_001407649.1, NM_001407670.1, NM_001407671.1 and 11 more transcripts); c.2905A>C, p.Lys969Gln (NM_001407653.1, NM_001407654.1, NM_001407655.1 and 4 more transcripts); c.2902A>C, p.Lys968Gln (NM_001407659.1, NM_001407660.1, NM_001407661.1 and 1 more transcripts); and 41 more; short protein forms K948Q, K995Q, K867Q, K868Q, K924Q, K928Q, K947Q, K992Q.
Identifiers: ClinVar variation 822428 (VCV000822428.7), dbSNP rs879255315, ClinGen allele CA10596033.
Genomic context (GRCh38, chr17:43,092,548, plus strand): 5'-CCATTTCTCTTTCAGGTGACATTGAATGTTCCTCAAAGTTTTCCTCTAGCAGATTTTTCT[T>G]ACATTTAGTTTTAACAAATGACTTGATGGGAAAAAGTGGTGGTATACGATATGGGTTTTG-3'
Protein context (NP_009225.1, residues 985-1005): PIKSFVKTKC[Lys995Gln]KNLLEENFEE